The following is an entry in ClinVar:

NM_182961.4(SYNE1):c.18431C>G (p.Ser6144Ter)

Gene: SYNE1 (spectrin repeat containing nuclear envelope protein 1; minus strand). Cytogenetic location: 6q25.2.
Variant type: single nucleotide variant.
Coding change: c.18431C>G on transcript NM_182961.4 (MANE Select); coding-DNA position 18431, C replaced by G.
Protein change: p.Ser6144Ter; replaces serine 6144 with a stop codon.
Molecular consequence: nonsense.
Genome position (GRCh38, 1-based): chr6:152,278,231, G>C on the plus strand (C>G on the coding strand, the complement: SYNE1 is on the minus strand). VCF-style: chr6-152278231-G-C. GRCh37 (hg19) VCF-style: chr6-152599366-G-C.
Other names: c.18218C>G, p.Ser6073Ter (NM_033071.5); short protein forms S6073*, S6144*.
Identifiers: ClinVar variation 1456824 (VCV001456824.6), dbSNP rs2153709458, ClinGen allele CA366094974.

ClinVar aggregate classification (germline): Pathogenic (1 of 4 stars; one submission).

Conditions:
Emery-Dreifuss muscular dystrophy 4, autosomal dominant (EDMD4). Also called: EMERY-DREIFUSS MUSCULAR DYSTROPHY 4 WITH VARIABLE FEATURES. Identifiers: Orphanet 261, MedGen C2751807, MONDO:0013071, OMIM 612998.
Autosomal recessive ataxia, Beauce type. Also called: Spinocerebellar ataxia, autosomal recessive 8; ATAXIA, RECESSIVE, OF BEAUCE; SYNE1 Deficiency; SYNE1-Related Autosomal Recessive Cerebellar Ataxia. Identifiers: Orphanet 88644, MedGen C1853116, MONDO:0012549, OMIM 610743.

Submission:

Labcorp Genetics (formerly Invitae), Labcorp
Classification: Pathogenic for Emery-Dreifuss muscular dystrophy 4, autosomal dominant; Autosomal recessive ataxia, Beauce type. Last evaluated: 2022-09-12. Review status: criteria provided, single submitter. Criteria: Invitae Variant Classification Sherloc (09022015). Collection method: clinical testing. Allele origin: germline.
Comment: ClinVar contains an entry for this variant (Variation ID: 1456824). For these reasons, this variant has been classified as Pathogenic. This variant has not been reported in the literature in individuals affected with SYNE1-related conditions. This variant is not present in population databases (gnomAD no frequency). This sequence change creates a premature translational stop signal (p.Ser6073*) in the SYNE1 gene. It is expected to result in an absent or disrupted protein product. Loss-of-function variants in SYNE1 are known to be pathogenic (PMID: 19542096, 24319099, 27086870).

Literature cited by the submitters: PubMed 19542096; PubMed 24319099; PubMed 27086870.